The following is an entry in ClinVar:

ClinVar aggregate classification (germline): Uncertain significance (1 of 4 stars; one submission).

Conditions:
Autosomal dominant hypocalcemia 1 (HYPOC1). Also called: HYPOCALCEMIA, FAMILIAL. Identifiers: MedGen C3715128, MONDO:0011013, OMIM 601198.
Familial hypocalciuric hypercalcemia (FHH). Also called: Familial benign hypercalcemia. Identifiers: Orphanet 405, MedGen C1809471, MONDO:0018458.

Submission:

Labcorp Genetics (formerly Invitae), Labcorp
Classification: Uncertain significance for Familial hypocalciuric hypercalcemia; Autosomal dominant hypocalcemia 1. Last evaluated: 2025-12-26. Review status: criteria provided, single submitter. Criteria: Invitae Variant Classification Sherloc (09022015). Collection method: clinical testing. Allele origin: germline.
Comment: This sequence change replaces tyrosine, which is neutral and polar, with histidine, which is basic and polar, at codon 435 of the CASR protein (p.Tyr435His). This variant is present in population databases (no rsID available, gnomAD 0.006%). This variant has not been reported in the literature in individuals affected with CASR-related conditions. An algorithm developed to predict the effect of missense changes on protein structure and function (PolyPhen-2) suggests that this variant is likely to be tolerated. In summary, the available evidence is currently insufficient to determine the role of this variant in disease. Therefore, it has been classified as a Variant of Uncertain Significance.

NM_000388.4(CASR):c.1303T>C (p.Tyr435His)

Gene: CASR (calcium sensing receptor; plus strand). Cytogenetic location: 3q21.1.
Variant type: single nucleotide variant.
Coding change: c.1303T>C on transcript NM_000388.4 (MANE Select); coding-DNA position 1303, T replaced by C.
Protein change: p.Tyr435His; replaces tyrosine 435 with histidine.
Molecular consequence: missense variant.
Genome position (GRCh38, 1-based): chr3:122,262,338, T>C. VCF-style: chr3-122262338-T-C. GRCh37 (hg19) VCF-style: chr3-121981185-T-C.
Other names: c.1303T>C, p.Tyr435His (NM_001178065.2); short protein forms Y435H.
Identifiers: ClinVar variation 4790779 (VCV004790779.1).
Genomic context (GRCh38, chr3:122,262,338, plus strand): 5'-CGGATATCCTACAATGTGTACTTAGCAGTCTACTCCATTGCCCACGCCTTGCAAGATATA[T>C]ATACCTGCTTACCTGGGAGAGGGCTCTTCACCAATGGCTCCTGTGCAGACATCAAGAAAG-3'
Protein context (NP_000379.3, residues 425-445): YSIAHALQDI[Tyr435His]TCLPGRGLFT